The following is an entry in ClinVar:

ClinVar aggregate classification (germline): Pathogenic. Review status: criteria provided, multiple submitters, no conflicts (2 of 4 stars). 3 submissions from 3 submitters: Pathogenic (3). Last evaluated 2025-05-07.

Conditions:
Severe combined immunodeficiency, autosomal recessive, T cell-negative, B cell-negative, NK cell-negative, due to adenosine deaminase deficiency. Also called: ADA deficiency; Adenosine deaminase deficient severe combined immunodeficiency; Severe combined immunodeficiency due to ADA deficiency; SCID DUE TO ADA DEFICIENCY; SCID DUE TO ADA DEFICIENCY, EARLY-ONSET; ADA-SCID. Identifiers: Orphanet 277, MedGen C0392607, MONDO:0007064, OMIM 102700.

Submissions (3):

Myriad Genetics, Inc.
Classification: Pathogenic for Severe combined immunodeficiency, autosomal recessive, T cell-negative, B cell-negative, NK cell-negative, due to adenosine deaminase deficiency. Last evaluated: 2025-05-07. Review status: criteria provided, single submitter. Criteria: Myriad Autosomal Dominant, Autosomal Recessive and X-Linked Classification Criteria (2023). Collection method: clinical testing. Allele origin: unknown.
Comment: NM_000022.2(ADA):c.705delG(L236Wfs*75) is a frameshift variant classified as pathogenic in the context of adenosine deaminase deficiency. L236Wfs*75 has been observed in a case with relevant disease (PMID: 18952502). Relevant functional assessments of this variant are not available in the literature. L236Wfs*75 has been observed in referenced population frequency databases. In summary, NM_000022.2(ADA):c.705delG(L236Wfs*75) is a frameshift variant in a gene where loss of function is a known mechanism of disease, is predicted to disrupt protein function, and has been observed more frequently in cases with the relevant disease than in healthy populations. Please note: this variant was assessed in the context of healthy population screening.

Genome-Nilou Lab
Classification: Pathogenic for Severe combined immunodeficiency, autosomal recessive, T cell-negative, B cell-negative, NK cell-negative, due to adenosine deaminase deficiency. Last evaluated: 2021-08-10. Review status: criteria provided, single submitter. Criteria: ACMG Guidelines, 2015. Collection method: clinical testing. Allele origin: germline. Affected: no.

Labcorp Genetics (formerly Invitae), Labcorp
Classification: Pathogenic for Severe combined immunodeficiency, autosomal recessive, T cell-negative, B cell-negative, NK cell-negative, due to adenosine deaminase deficiency. Last evaluated: 2019-03-30. Review status: criteria provided, single submitter. Criteria: Invitae Variant Classification Sherloc (09022015). Collection method: clinical testing. Allele origin: germline.
Comment: This variant has been observed in combination with another ADA variant in an individual affected with adenosine deaminase deficiency (PMID: 18952502). This variant is also known as 800delG in the literature. For these reasons, this variant has been classified as Pathogenic. Loss-of-function variants in ADA are known to be pathogenic (PMID: 26255240, 26376800). This variant is not present in population databases (ExAC no frequency). This sequence change creates a premature translational stop signal (p.Leu236Trpfs*75) in the ADA gene. It is expected to result in an absent or disrupted protein product.

Literature cited by the submitters: PubMed 18952502 (cited by Myriad Genetics, Inc. and Labcorp Genetics (formerly Invitae), Labcorp); PubMed 26255240 (cited by Labcorp Genetics (formerly Invitae), Labcorp); PubMed 26376800 (cited by Labcorp Genetics (formerly Invitae), Labcorp).

NM_000022.4(ADA):c.705del (p.Leu236fs)

Gene: ADA (adenosine deaminase; minus strand). Cytogenetic location: 20q13.12.
Variant type: Deletion.
Coding change: c.705del on transcript NM_000022.4 (MANE Select); coding-DNA position 705, one base deleted (G; older notation c.705delG).
Protein change: p.Leu236fs; shifts the reading frame from leucine 236.
Molecular consequence: frameshift variant. On other transcripts: non-coding transcript variant (1).
Genome position (GRCh38, 1-based): chr20:44,622,904, C deleted on the plus strand (G on the coding strand, the reverse complement: ADA is on the minus strand); the first of 2 consecutive C bases (chr20:44,622,904-44,622,905); deleting either gives the same sequence. VCF-style (leftmost placement, unchanged base first): chr20-44622903-GC-G. GRCh37 (hg19) VCF-style: chr20-43251544-GC-G.
Other names: c.300del, p.Leu101fs (NM_001322050.2); c.633del, p.Leu212fs (NM_001322051.2); short protein forms L101fs, L212fs, L236fs.
Identifiers: ClinVar variation 839704 (VCV000839704.11), dbSNP rs1225623204, ClinGen allele CA635979758.